The following is an entry in ClinVar:

ClinVar aggregate classification (germline): Uncertain significance (1 of 4 stars; one submission).

Conditions:
Syndromic multisystem autoimmune disease due to ITCH deficiency. Also called: AUTOIMMUNE DISEASE, MULTISYSTEM, WITH FACIAL DYSMORPHISM. Identifiers: Orphanet 228426, MedGen C3150649, MONDO:0013245, OMIM 613385.

Submission:

Labcorp Genetics (formerly Invitae), Labcorp
Classification: Uncertain significance for Syndromic multisystem autoimmune disease due to ITCH deficiency. Last evaluated: 2023-05-09. Review status: criteria provided, single submitter. Criteria: Invitae Variant Classification Sherloc (09022015). Collection method: clinical testing. Allele origin: germline.
Comment: This sequence change replaces isoleucine, which is neutral and non-polar, with valine, which is neutral and non-polar, at codon 778 of the ITCH protein (p.Ile778Val). This variant is not present in population databases (gnomAD no frequency). In summary, the available evidence is currently insufficient to determine the role of this variant in disease. Therefore, it has been classified as a Variant of Uncertain Significance. An algorithm developed to predict the effect of missense changes on protein structure and function (PolyPhen-2) suggests that this variant is likely to be disruptive. This variant has not been reported in the literature in individuals affected with ITCH-related conditions.

NM_031483.7(ITCH):c.2332A>G (p.Ile778Val)

Gene: ITCH (itchy E3 ubiquitin protein ligase; plus strand). Cytogenetic location: 20q11.22.
Variant type: single nucleotide variant.
Coding change: c.2332A>G on transcript NM_031483.7 (MANE Select); coding-DNA position 2332, A replaced by G.
Protein change: p.Ile778Val; replaces isoleucine 778 with valine.
Molecular consequence: missense variant.
Genome position (GRCh38, 1-based): chr20:34,492,513, A>G. VCF-style: chr20-34492513-A-G. GRCh37 (hg19) VCF-style: chr20-33080318-A-G.
Other names: c.2455A>G, p.Ile819Val (NM_001257137.3, NM_001324197.2); c.2002A>G, p.Ile668Val (NM_001257138.3); c.2332A>G, p.Ile778Val (NM_001324198.2); short protein forms I668V, I778V, I819V.
Identifiers: ClinVar variation 2861342 (VCV002861342.3), dbSNP rs2515940035, ClinGen allele CA408673507.